The following is an entry in ClinVar:

NM_001953.5(TYMP):c.1327G>C (p.Asp443His)

Genes: SCO2 (synthesis of cytochrome C oxidase 2; minus strand), TYMP (thymidine phosphorylase; minus strand), LOC130067862 (ATAC-STARR-seq lymphoblastoid silent region 13986; plus strand). Cytogenetic location: 22q13.33.
Variant type: single nucleotide variant.
Coding change: c.1327G>C on transcript NM_001953.5 (MANE Select); coding-DNA position 1327, G replaced by C.
Protein change: p.Asp443His; replaces aspartic acid 443 with histidine.
Molecular consequence: missense variant. On other transcripts: intron variant (2).
Genome position (GRCh38, 1-based): chr22:50,525,892, C>G on the plus strand (G>C on the coding strand, the complement: TYMP is on the minus strand). VCF-style: chr22-50525892-C-G. GRCh37 (hg19) VCF-style: chr22-50964321-C-G.
Other names: c.-14+354G>C (NM_001169109.2); c.-14+109G>C (NM_001169110.1); c.1327G>C, p.Asp443His (NM_001113755.3, NM_001113756.3, NM_001257988.1); c.1342G>C, p.Asp448His (NM_001257989.1); short protein forms D448H, D443H.
Identifiers: ClinVar variation 2150805 (VCV002150805.1), dbSNP rs754924121, ClinGen allele CA10321425.

ClinVar aggregate classification (germline): Uncertain significance (1 of 4 stars; one submission).

Allele frequency attached by ClinVar (database versions not stated): ExAC 0.00003.
gnomAD v4.1: 21 of 1,570,052 alleles (0.0013%); highest among the groups gnomAD compares: South Asian, 0.019%; no homozygotes.

Submission:

Labcorp Genetics (formerly Invitae), Labcorp
Classification: Uncertain significance. Last evaluated: 2022-07-11. Review status: criteria provided, single submitter. Criteria: Invitae Variant Classification Sherloc (09022015). Collection method: clinical testing. Allele origin: germline.
Comment: This sequence change replaces aspartic acid, which is acidic and polar, with histidine, which is basic and polar, at codon 443 of the TYMP protein (p.Asp443His). This variant is present in population databases (rs754924121, gnomAD 0.008%). This variant has not been reported in the literature in individuals affected with TYMP-related conditions. Advanced modeling of protein sequence and biophysical properties (such as structural, functional, and spatial information, amino acid conservation, physicochemical variation, residue mobility, and thermodynamic stability) performed at Invitae indicates that this missense variant is not expected to disrupt TYMP protein function. In summary, the available evidence is currently insufficient to determine the role of this variant in disease. Therefore, it has been classified as a Variant of Uncertain Significance.